The following is an entry in ClinVar:

NM_016247.4(IMPG2):c.313G>A (p.Val105Met)

Gene: IMPG2 (interphotoreceptor matrix proteoglycan 2; minus strand). Cytogenetic location: 3q12.3.
Variant type: single nucleotide variant.
Coding change: c.313G>A on transcript NM_016247.4 (MANE Select); coding-DNA position 313, G replaced by A.
Protein change: p.Val105Met; replaces valine 105 with methionine.
Molecular consequence: missense variant.
Genome position (GRCh38, 1-based): chr3:101,319,605, C>T on the plus strand (G>A on the coding strand, the complement: IMPG2 is on the minus strand). VCF-style: chr3-101319605-C-T. GRCh37 (hg19) VCF-style: chr3-101038449-C-T.
Other names: c.313G>A (NM_016247.3); short protein forms V105M.
Identifiers: ClinVar variation 1005975 (VCV001005975.8), dbSNP rs201599949, ClinGen allele CA2519515.

ClinVar aggregate classification (germline): Uncertain significance. Review status: criteria provided, multiple submitters, no conflicts (2 of 4 stars). 4 submissions from 4 submitters: Uncertain significance (4). Last evaluated 2026-02-06.

Conditions:
IMPG2-related disorder. Also called: IMPG2-related condition.
Inborn genetic diseases. Identifiers: MedGen C0950123, MeSH D030342.

Allele frequency attached by ClinVar (database versions not stated): gnomAD exomes 0.00001 and 0.00007; gnomAD 0.00006 and 0.00007; ExAC 0.00009; TOPMed 0.00016; 1000 Genomes Project 30x 0.00031; 1000 Genomes Project 0.00040.

Submissions (4):

PreventionGenetics, part of Exact Sciences
Classification: Uncertain significance for IMPG2-related condition. Last evaluated: 2026-02-06. Review status: criteria provided, single submitter. Criteria: ACMG Guidelines, 2015. Collection method: clinical testing. Allele origin: germline.
Comment: The IMPG2 c.313G>A variant is predicted to result in the amino acid substitution p.Val105Met. To our knowledge, this variant has not been reported in the literature. This variant is reported in 0.023% of alleles in individuals of Latino descent in gnomAD. At this time, the clinical significance of this variant is uncertain due to the absence of conclusive functional and genetic evidence.

Ambry Genetics
Classification: Uncertain significance for Inborn genetic diseases. Last evaluated: 2025-02-01. Review status: criteria provided, single submitter. Criteria: Ambry Variant Classification Scheme 2023. Collection method: clinical testing. Allele origin: germline.

Labcorp Genetics (formerly Invitae), Labcorp
Classification: Uncertain significance. Last evaluated: 2024-11-05. Review status: criteria provided, single submitter. Criteria: Invitae Variant Classification Sherloc (09022015). Collection method: clinical testing. Allele origin: germline.
Comment: This sequence change replaces valine, which is neutral and non-polar, with methionine, which is neutral and non-polar, at codon 105 of the IMPG2 protein (p.Val105Met). This variant is present in population databases (rs201599949, gnomAD 0.02%). This variant has not been reported in the literature in individuals affected with IMPG2-related conditions. ClinVar contains an entry for this variant (Variation ID: 1005975). An algorithm developed to predict the effect of missense changes on protein structure and function (PolyPhen-2) suggests that this variant¬†is likely to be tolerated. In summary, the available evidence is currently insufficient to determine the role of this variant in disease. Therefore, it has been classified as a Variant of Uncertain Significance.

Blueprint Genetics
Classification: Uncertain significance. Last evaluated: 2024-10-11. Review status: criteria provided, single submitter. Criteria: ACMG Guidelines, 2015. Collection method: clinical testing. Allele origin: germline.